The following is an entry in ClinVar:

NM_006506.5(RASA2):c.1910A>G (p.Glu637Gly)

Gene: RASA2 (RAS p21 protein activator 2; plus strand). Cytogenetic location: 3q23.
Variant type: single nucleotide variant.
Coding change: c.1910A>G on transcript NM_006506.5 (MANE Select); coding-DNA position 1910, A replaced by G.
Protein change: p.Glu637Gly; replaces glutamic acid 637 with glycine.
Molecular consequence: missense variant.
Genome position (GRCh38, 1-based): chr3:141,586,729, A>G. VCF-style: chr3-141586729-A-G. GRCh37 (hg19) VCF-style: chr3-141305571-A-G.
Other names: c.1910A>G, p.Glu637Gly (NM_001303245.3, NM_001303246.3); short protein forms E637G.
Identifiers: ClinVar variation 2027598 (VCV002027598.4), dbSNP rs2083209037, ClinGen allele CA354782354.

ClinVar aggregate classification (germline): Uncertain significance (1 of 4 stars; one submission).

Allele frequency attached by ClinVar (database versions not stated): gnomAD exomes below 0.00001; TOPMed 0.00001.

Submission:

Labcorp Genetics (formerly Invitae), Labcorp
Classification: Uncertain significance. Last evaluated: 2022-09-18. Review status: criteria provided, single submitter. Criteria: Invitae Variant Classification Sherloc (09022015). Collection method: clinical testing. Allele origin: germline.
Comment: This variant has not been reported in the literature in individuals affected with RASA2-related conditions. Advanced modeling of protein sequence and biophysical properties (such as structural, functional, and spatial information, amino acid conservation, physicochemical variation, residue mobility, and thermodynamic stability) performed at Invitae indicates that this missense variant is not expected to disrupt RASA2 protein function. In summary, the available evidence is currently insufficient to determine the role of this variant in disease. Therefore, it has been classified as a Variant of Uncertain Significance. This variant is not present in population databases (gnomAD no frequency). This sequence change replaces glutamic acid, which is acidic and polar, with glycine, which is neutral and non-polar, at codon 637 of the RASA2 protein (p.Glu637Gly).